The following is an entry in ClinVar:

NM_003079.5(SMARCE1):c.1012A>G (p.Ile338Val)

Gene: SMARCE1 (SWI/SNF related BAF chromatin remodeling complex subunit E1; minus strand). Cytogenetic location: 17q21.2.
Variant type: single nucleotide variant.
Coding change: c.1012A>G on transcript NM_003079.5 (MANE Select); coding-DNA position 1012, A replaced by G.
Protein change: p.Ile338Val; replaces isoleucine 338 with valine.
Molecular consequence: missense variant.
Genome position (GRCh38, 1-based): chr17:40,630,729, T>C on the plus strand (A>G on the coding strand, the complement: SMARCE1 is on the minus strand). VCF-style: chr17-40630729-T-C. GRCh37 (hg19) VCF-style: chr17-38786981-T-C.
Other names: short protein forms I338V.
Identifiers: ClinVar variation 821981 (VCV000821981.7), dbSNP rs759470808, ClinGen allele CA8545115.
Genomic context (GRCh38, chr17:40,630,729, plus strand): 5'-TACAAAGTCTTGGCACTGCCTCTGCGTTTGTTGCTAGTGGGTTACCTGTCTCCATCGGAA[T>C]GTTCTCGTCGTCTTTCTTCTCCTCGCCTTTGTTAGCTGCTTGTTCTTCCTCAGGAACGAT-3'
Protein context (NP_003070.3, residues 328-348): KGEEKKDDEN[Ile338Val]PMETEETHLE

ClinVar aggregate classification (germline): Uncertain significance. Review status: criteria provided, multiple submitters, no conflicts (2 of 4 stars). 2 submissions from 2 submitters: Uncertain significance (2). Last evaluated 2024-08-30.

Conditions:
Familial meningioma. Also called: Meningioma, familial, susceptibility to. Identifiers: Orphanet 263662, MedGen C3551915, MONDO:0011789, OMIM 607174.
Hereditary cancer-predisposing syndrome. Also called: Tumor predisposition; Hereditary Cancer Syndrome; Neoplastic Syndromes, Hereditary; Hereditary neoplastic syndrome. Identifiers: Orphanet 140162, MedGen C0027672, MeSH D009386, MONDO:0015356.

Allele frequency attached by ClinVar (database versions not stated): ExAC 0.00001.

Submissions (2):

Labcorp Genetics (formerly Invitae), Labcorp
Classification: Uncertain significance for Familial meningioma. Last evaluated: 2024-08-30. Review status: criteria provided, single submitter. Criteria: Invitae Variant Classification Sherloc (09022015). Collection method: clinical testing. Allele origin: germline.
Comment: This sequence change replaces isoleucine, which is neutral and non-polar, with valine, which is neutral and non-polar, at codon 338 of the SMARCE1 protein (p.Ile338Val). This variant is not present in population databases (gnomAD no frequency). This variant has not been reported in the literature in individuals affected with SMARCE1-related conditions. ClinVar contains an entry for this variant (Variation ID: 821981). Invitae Evidence Modeling of protein sequence and biophysical properties (such as structural, functional, and spatial information, amino acid conservation, physicochemical variation, residue mobility, and thermodynamic stability) indicates that this missense variant is not expected to disrupt SMARCE1 protein function with a negative predictive value of 80%. In summary, the available evidence is currently insufficient to determine the role of this variant in disease. Therefore, it has been classified as a Variant of Uncertain Significance.

Ambry Genetics
Classification: Uncertain significance for Hereditary cancer-predisposing syndrome. Last evaluated: 2023-07-28. Review status: criteria provided, single submitter. Criteria: Ambry Variant Classification Scheme 2023. Collection method: clinical testing. Allele origin: germline.
Comment: The p.I338V variant (also known as c.1012A>G), located in coding exon 9 of the SMARCE1 gene, results from an A to G substitution at nucleotide position 1012. The isoleucine at codon 338 is replaced by valine, an amino acid with highly similar properties. This amino acid position is not well conserved in available vertebrate species. In addition, this alteration is predicted to be tolerated by in silico analysis. Missense and in-frame variants in SMARCE1 are known to cause neurodevelopmental disorders; however, such associations with increased risk of meningiomas are exceedingly rare (Kosho T et al. Am J Med Genet C Semin Med Genet. 2014 Sep;166C(3):262-75; Smith JM et al. Nat Genet. 2013 Mar;45(3):295-8). Based on the supporting evidence, the association of this alteration with an increased risk of Coffin-Siris syndrome is unknown; however, the association of this alteration with meningiomas is unlikely.